The following is an entry in ClinVar:

ClinVar aggregate classification (germline): Uncertain significance (1 of 4 stars; one submission).

Submission:

GeneDx
Classification: Uncertain significance. Last evaluated: 2023-04-24. Review status: criteria provided, single submitter. Criteria: GeneDx Variant Classification Process June 2021. Collection method: clinical testing. Allele origin: germline. Affected: yes.
Comment: Not observed at significant frequency in large population cohorts (gnomAD); In silico analysis supports that this missense variant has a deleterious effect on protein structure/function; Has not been previously published as pathogenic or benign to our knowledge

NM_001379029.1(CERT1):c.923A>T (p.Asp308Val)

Gene: CERT1 (ceramide transporter 1; minus strand). Cytogenetic location: 5q13.3.
Variant type: single nucleotide variant.
Coding change: c.923A>T on transcript NM_001379029.1 (MANE Select); coding-DNA position 923, A replaced by T.
Protein change: p.Asp308Val; replaces aspartic acid 308 with valine.
Molecular consequence: missense variant.
Genome position (GRCh38, 1-based): chr5:75,411,018, T>A on the plus strand (A>T on the coding strand, the complement: CERT1 is on the minus strand). VCF-style: chr5-75411018-T-A. GRCh37 (hg19) VCF-style: chr5-74706843-T-A.
Other names: c.1307A>T, p.Asp436Val (NM_001130105.1); c.923A>T, p.Asp308Val (NM_001379002.1, NM_001379003.1, NM_001379004.1 and 2 more transcripts); short protein forms D308V, D436V.
Identifiers: ClinVar variation 2663558 (VCV002663558.1), dbSNP rs2479055894, ClinGen allele CA360148773.